The following is an entry in ClinVar:

ClinVar aggregate classification (germline): Uncertain significance. Review status: criteria provided, multiple submitters, no conflicts (2 of 4 stars). 2 submissions from 2 submitters: Uncertain significance (2). Last evaluated 2024-04-30.

Conditions:
Inborn genetic diseases. Identifiers: MedGen C0950123, MeSH D030342.

Allele frequency attached by ClinVar (database versions not stated): gnomAD 0.00001; TOPMed 0.00001; ExAC 0.00002; gnomAD exomes 0.00005.
gnomAD v4.1: 81 of 1,613,820 alleles (0.005%); highest among the groups gnomAD compares: Non-Finnish European, 0.0067%; no homozygotes.

Submissions (2):

Labcorp Genetics (formerly Invitae), Labcorp
Classification: Uncertain significance. Last evaluated: 2024-04-30. Review status: criteria provided, single submitter. Criteria: Invitae Variant Classification Sherloc (09022015). Collection method: clinical testing. Allele origin: germline.
Comment: This sequence change replaces glutamic acid, which is acidic and polar, with glycine, which is neutral and non-polar, at codon 423 of the ACTN1 protein (p.Glu423Gly). This variant is present in population databases (rs759624231, gnomAD 0.003%). This variant has not been reported in the literature in individuals affected with ACTN1-related conditions. ClinVar contains an entry for this variant (Variation ID: 2401240). Advanced modeling of protein sequence and biophysical properties (such as structural, functional, and spatial information, amino acid conservation, physicochemical variation, residue mobility, and thermodynamic stability) performed at Invitae indicates that this missense variant is not expected to disrupt ACTN1 protein function with a negative predictive value of 80%. In summary, the available evidence is currently insufficient to determine the role of this variant in disease. Therefore, it has been classified as a Variant of Uncertain Significance.

Ambry Genetics
Classification: Uncertain significance for Inborn genetic diseases. Last evaluated: 2022-12-15. Review status: criteria provided, single submitter. Criteria: Ambry Variant Classification Scheme 2023. Collection method: clinical testing. Allele origin: germline.

NM_001130004.2(ACTN1):c.1268A>G (p.Glu423Gly)

Gene: ACTN1 (actinin alpha 1; minus strand). Cytogenetic location: 14q24.1.
Variant type: single nucleotide variant.
Coding change: c.1268A>G on transcript NM_001130004.2 (MANE Select); coding-DNA position 1268, A replaced by G.
Protein change: p.Glu423Gly; replaces glutamic acid 423 with glycine.
Molecular consequence: missense variant.
Genome position (GRCh38, 1-based): chr14:68,885,542, T>C on the plus strand (A>G on the coding strand, the complement: ACTN1 is on the minus strand). VCF-style: chr14-68885542-T-C. GRCh37 (hg19) VCF-style: chr14-69352259-T-C.
Other names: c.1268A>G, p.Glu423Gly (NM_001102.4, NM_001130005.2); c.1292A>G, p.Glu431Gly (NM_001411035.1); c.1073A>G, p.Glu358Gly (NM_001411036.1); short protein forms E431G, E358G, E423G.
Identifiers: ClinVar variation 2401240 (VCV002401240.4), dbSNP rs759624231, ClinGen allele CA7242408.